The following is an entry in ClinVar:

ClinVar aggregate classification (germline): Uncertain significance. Review status: criteria provided, multiple submitters, no conflicts (2 of 4 stars). 4 submissions from 4 submitters: Uncertain significance (3). 1 of the submissions does not count toward it. Last evaluated 2024-05-13.

Conditions:
Usher syndrome type 2A. Also called: USHER SYNDROME, TYPE IIA; RETINAL DISEASE IN USHER SYNDROME TYPE IIA, MODIFIER OF. Identifiers: Orphanet 231178, Orphanet 886, MedGen C1848634, MONDO:0010169, OMIM 276901.

Allele frequency attached by ClinVar (database versions not stated): gnomAD exomes 0.00001; gnomAD 0.00005; TOPMed 0.00005.
gnomAD v4.1: 8 of 1,613,670 alleles (0.0005%); highest among the groups gnomAD compares: African/African-American, 0.011%; no homozygotes.

Submissions (4):

Women's Health and Genetics/Laboratory Corporation of America, LabCorp
Classification: Uncertain significance. Last evaluated: 2024-05-13. Review status: criteria provided, single submitter. Criteria: LabCorp Variant Classification Summary - May 2015. Collection method: clinical testing. Allele origin: germline.

Labcorp Genetics (formerly Invitae), Labcorp
Classification: Uncertain significance. Last evaluated: 2023-12-18. Review status: criteria provided, single submitter. Criteria: Invitae Variant Classification Sherloc (09022015). Collection method: clinical testing. Allele origin: germline.
Comment: This sequence change replaces isoleucine, which is neutral and non-polar, with leucine, which is neutral and non-polar, at codon 3476 of the USH2A protein (p.Ile3476Leu). This variant is present in population databases (no rsID available, gnomAD 0.02%). This variant has not been reported in the literature in individuals affected with USH2A-related conditions. ClinVar contains an entry for this variant (Variation ID: 990780). Advanced modeling of protein sequence and biophysical properties (such as structural, functional, and spatial information, amino acid conservation, physicochemical variation, residue mobility, and thermodynamic stability) performed at Invitae indicates that this missense variant is not expected to disrupt USH2A protein function with a negative predictive value of 95%. In summary, the available evidence is currently insufficient to determine the role of this variant in disease. Therefore, it has been classified as a Variant of Uncertain Significance.

Blueprint Genetics
Classification: Uncertain significance. Last evaluated: 2022-11-01. Review status: criteria provided, single submitter. Criteria: ACMG Guidelines, 2015. Collection method: clinical testing. Allele origin: germline.

Natera, Inc.
Classification: Uncertain significance for Usher syndrome type 2A. Last evaluated: 2020-08-28. Review status: no assertion criteria provided. Collection method: clinical testing. Allele origin: germline. Not counted in ClinVar's aggregate classification.

NM_206933.4(USH2A):c.10426A>C (p.Ile3476Leu)

Gene: USH2A (usherin; minus strand). Cytogenetic location: 1q41.
Variant type: single nucleotide variant.
Coding change: c.10426A>C on transcript NM_206933.4 (MANE Select); coding-DNA position 10426, A replaced by C.
Protein change: p.Ile3476Leu; replaces isoleucine 3476 with leucine.
Molecular consequence: missense variant.
Genome position (GRCh38, 1-based): chr1:215,782,897, T>G on the plus strand (A>C on the coding strand, the complement: USH2A is on the minus strand). VCF-style: chr1-215782897-T-G. GRCh37 (hg19) VCF-style: chr1-215956239-T-G.
Other names: short protein forms I3476L.
Identifiers: ClinVar variation 990780 (VCV000990780.6), dbSNP rs1038876830, ClinGen allele CA37437996.